The following is an entry in ClinVar:

NM_000784.4(CYP27A1):c.178A>G (p.Ile60Val)

Gene: CYP27A1 (cytochrome P450 family 27 subfamily A member 1; plus strand). Cytogenetic location: 2q35.
Variant type: single nucleotide variant.
Coding change: c.178A>G on transcript NM_000784.4 (MANE Select); coding-DNA position 178, A replaced by G.
Protein change: p.Ile60Val; replaces isoleucine 60 with valine.
Molecular consequence: missense variant.
Genome position (GRCh38, 1-based): chr2:218,782,360, A>G. VCF-style: chr2-218782360-A-G. GRCh37 (hg19) VCF-style: chr2-219647083-A-G.
Other names: short protein forms I60V.
Identifiers: ClinVar variation 3232285 (VCV003232285.1), dbSNP rs780279346, ClinGen allele CA2112529.

ClinVar aggregate classification (germline): Uncertain significance (1 of 4 stars; one submission).

Conditions:
Cardiovascular phenotype. Identifiers: MedGen CN230736.

Allele frequency attached by ClinVar (database versions not stated): ExAC 0.00001; gnomAD exomes 0.00001.
gnomAD v4.1: 3 of 1,614,110 alleles (0.00019%); highest among the groups gnomAD compares: Non-Finnish European, 0.000085%; no homozygotes.

Submission:

Ambry Genetics
Classification: Uncertain significance for Cardiovascular phenotype. Last evaluated: 2024-03-09. Review status: criteria provided, single submitter. Criteria: Ambry Variant Classification Scheme 2023. Collection method: clinical testing. Allele origin: germline.
Comment: The p.I60V variant (also known as c.178A>G), located in coding exon 1 of the CYP27A1 gene, results from an A to G substitution at nucleotide position 178. The isoleucine at codon 60 is replaced by valine, an amino acid with highly similar properties. This amino acid position is conserved. In addition, this alteration is predicted to be tolerated by in silico analysis. Based on the available evidence, the clinical significance of this alteration remains unclear.